The following is an entry in ClinVar:

NM_000368.5(TSC1):c.2209-11G>T

Gene: TSC1 (TSC complex subunit 1; minus strand). Cytogenetic location: 9q34.13.
Variant type: single nucleotide variant.
Coding change: c.2209-11G>T on transcript NM_000368.5 (MANE Select); 11 bases into the intron before coding-DNA position 2209, G replaced by T.
Molecular consequence: intron variant.
Genome position (GRCh38, 1-based): chr9:132,902,798, C>A on the plus strand (G>T on the coding strand, the complement: TSC1 is on the minus strand). VCF-style: chr9-132902798-C-A. GRCh37 (hg19) VCF-style: chr9-135778185-C-A.
Other names: c.1846-11G>T (NM_001362177.2); c.2056-11G>T (NM_001162427.2); c.2206-11G>T (NM_001162426.2).
Identifiers: ClinVar variation 513866 (VCV000513866.9), dbSNP rs1388387332, ClinGen allele CA591361293.
Genomic context (GRCh38, chr9:132,902,798, plus strand): 5'-CTAACCTTCCACATCTGGATGTCCTTCTCTTGTAACTTCAACTGATCTTTCTAGCAGAGA[C>A]CAGAAATGTCATCATTTTAGCTGTCTTCCAACACAGGCAATTTAACACACACTGCGAACA-3'

ClinVar aggregate classification (germline): Likely benign. Review status: criteria provided, multiple submitters, no conflicts (2 of 4 stars). 3 submissions from 3 submitters: Likely benign (3). Last evaluated 2026-01-31.

Conditions:
Tuberous sclerosis 1 (TSC1). Identifiers: Orphanet 805, MedGen C1854465, MONDO:0008612, OMIM 191100.

Allele frequency attached by ClinVar (database versions not stated): gnomAD exomes below 0.00001 and 0.00003; TOPMed below 0.00001.
gnomAD v4.1: 37 of 1,612,952 alleles (0.0023%); highest among the groups gnomAD compares: Non-Finnish European, 0.0031%; no homozygotes.

Submissions (3):

Labcorp Genetics (formerly Invitae), Labcorp
Classification: Likely benign for Tuberous sclerosis 1. Last evaluated: 2026-01-31. Review status: criteria provided, single submitter. Criteria: Invitae Variant Classification Sherloc (09022015). Collection method: clinical testing. Allele origin: germline.

Myriad Genetics, Inc.
Classification: Likely benign for Tuberous sclerosis 1. Last evaluated: 2025-04-24. Review status: criteria provided, single submitter. Criteria: Myriad Autosomal Dominant, Autosomal Recessive and X-Linked Classification Criteria (2023). Collection method: clinical testing. Allele origin: unknown.
Comment: This variant is considered likely benign. This variant is intronic and is not expected to impact mRNA splicing.

GeneDx
Classification: Likely benign. Last evaluated: 2017-11-30. Review status: criteria provided, single submitter. Criteria: GeneDx Variant Classification (06012015). Collection method: clinical testing. Allele origin: germline. Affected: yes.
Comment: This variant is considered likely benign or benign based on one or more of the following criteria: it is a conservative change, it occurs at a poorly conserved position in the protein, it is predicted to be benign by multiple in silico algorithms, and/or has population frequency not consistent with disease.